The following is an entry in ClinVar:

GRCh38/hg38 1q31.3-32.1(chr1:198608514-199646718)x1

Genes: LINC01221 (long intergenic non-protein coding RNA 1221; plus strand), LINC01222 (long intergenic non-protein coding RNA 1222; minus strand), LINC02789 (long intergenic non-protein coding RNA 2789; plus strand), MIR181A1 (microRNA 181a-1; minus strand), MIR181A1HG (MIR181A1 host gene; minus strand) and 18 more. Cytogenetic location: 1q31.3-32.1.
Variant type: copy number loss.
Change: copy number 1 (one copy instead of two) of chr1:198,608,514-199,646,718 (1.04 Mb, GRCh38 coordinates, 1-based), cytogenetic band 1q31.3-32.1.
Identifiers: ClinVar variation 60079 (VCV000060079.1).

ClinVar aggregate classification (germline): Pathogenic (1 of 4 stars; one submission).

Submission:

ISCA site 15
Classification: Pathogenic. Last evaluated: 2011-08-12. Review status: criteria provided, single submitter. Criteria: Kaminsky et al. (Genet Med. 2011). Collection method: clinical testing. Allele origin: de novo. Affected: yes. Observed: 1 variant allele.
Comment: Copy number variation identified through the course of routine clinical cytogenomic testing in postnatal populations. Clinical assertions have been curated as described in Kaminsky et al. 2011.